The following is an entry in ClinVar:

ClinVar aggregate classification (germline): Conflicting classifications of pathogenicity. Review status: criteria provided, conflicting classifications (1 of 4 stars). 4 submissions from 4 submitters: Uncertain significance (2); Likely benign (1). 1 of the submissions does not count toward it. Last evaluated 2025-03-17.

Conditions:
Hereditary breast ovarian cancer syndrome. Also called: Hereditary breast and ovarian cancer syndrome; Hereditary breast and ovarian cancer; Hereditary breast and ovarian cancer syndrome (HBOC); Breast and ovarian cancer; Hereditary breast and/or ovarian cancer syndrome; BRCA1- and BRCA2-Associated Hereditary Breast and Ovarian Cancer. Identifiers: Orphanet 145, MedGen C0677776, MeSH D061325, MONDO:0003582. Disease mechanism: loss of function.
Hereditary cancer-predisposing syndrome. Also called: Neoplastic Syndromes, Hereditary; Tumor predisposition; Hereditary neoplastic syndrome; Hereditary Cancer Syndrome. Identifiers: Orphanet 140162, MedGen C0027672, MeSH D009386, MONDO:0015356.
Breast-ovarian cancer, familial, susceptibility to, 2 (BROVCA2). Also called: BRCA2 Hereditary Breast and Ovarian Cancer. Identifiers: Orphanet 145, MedGen C2675520, MONDO:0012933, OMIM 612555. Disease mechanism: loss of function.

Submissions (4):

Labcorp Genetics (formerly Invitae), Labcorp
Classification: Uncertain significance for Hereditary breast ovarian cancer syndrome. Last evaluated: 2025-03-17. Review status: criteria provided, single submitter. Criteria: Invitae Variant Classification Sherloc (09022015). Collection method: clinical testing. Allele origin: germline.
Comment: This sequence change replaces asparagine, which is neutral and polar, with threonine, which is neutral and polar, at codon 1836 of the BRCA2 protein (p.Asn1836Thr). This variant is not present in population databases (gnomAD no frequency). This missense change has been observed in individual(s) with clinical features of BRCA2-related conditions (PMID: 10923033). ClinVar contains an entry for this variant (Variation ID: 51875). Invitae Evidence Modeling of protein sequence and biophysical properties (such as structural, functional, and spatial information, amino acid conservation, physicochemical variation, residue mobility, and thermodynamic stability) indicates that this missense variant is not expected to disrupt BRCA2 protein function with a negative predictive value of 95%. In summary, the available evidence is currently insufficient to determine the role of this variant in disease. Therefore, it has been classified as a Variant of Uncertain Significance.

Ambry Genetics
Classification: Uncertain significance for Hereditary cancer-predisposing syndrome. Last evaluated: 2024-11-30. Review status: criteria provided, single submitter. Criteria: Ambry Variant Classification Scheme 2023. Collection method: clinical testing. Allele origin: germline.
Comment: The p.N1836T variant (also known as c.5507A>C), located in coding exon 10 of the BRCA2 gene, results from an A to C substitution at nucleotide position 5507. The asparagine at codon 1836 is replaced by threonine, an amino acid with similar properties. This amino acid position is not well conserved in available vertebrate species. In addition, this alteration is predicted to be tolerated by in silico analysis. Since supporting evidence is limited at this time, the clinical significance of this alteration remains unclear.

University of Washington Department of Laboratory Medicine, University of Washington
Classification: Likely benign for Hereditary cancer-predisposing syndrome. Last evaluated: 2023-03-23. Review status: criteria provided, single submitter. Criteria: Dines et al. (Genet Med. 2020). Collection method: curation. Allele origin: germline.
Comment: Missense variant in a coldspot region where missense variants are very unlikely to be pathogenic (PMID:31911673).

BRCA2 exon 11 coldspot. Reclassification based on statistical prior probability.

Breast Cancer Information Core (BIC) (BRCA2)
Classification: Uncertain significance for Breast-ovarian cancer, familial 2. Last evaluated: 2001-01-17. Review status: no assertion criteria provided. Collection method: clinical testing. Allele origin: germline. Affected: yes. Observed: 1 variant allele. Not counted in ClinVar's aggregate classification.

Literature cited by the submitters: PubMed 10923033 (cited by Labcorp Genetics (formerly Invitae), Labcorp).

NM_000059.4(BRCA2):c.5507A>C (p.Asn1836Thr)

Gene: BRCA2 (BRCA2 DNA repair associated; plus strand). Cytogenetic location: 13q13.1.
Variant type: single nucleotide variant.
Coding change: c.5507A>C on transcript NM_000059.4 (MANE Select); coding-DNA position 5507, A replaced by C.
Protein change: p.Asn1836Thr; replaces asparagine 1836 with threonine.
Molecular consequence: missense variant.
Genome position (GRCh38, 1-based): chr13:32,339,862, A>C. VCF-style: chr13-32339862-A-C. GRCh37 (hg19) VCF-style: chr13-32913999-A-C.
Other names: short protein forms N1836T.
Identifiers: ClinVar variation 51875 (VCV000051875.16), dbSNP rs80358773, ClinGen allele CA022478.